The following is an entry in ClinVar:

ClinVar aggregate classification (germline): Uncertain significance. Review status: criteria provided, multiple submitters, no conflicts (2 of 4 stars). 2 submissions from 2 submitters: Uncertain significance (2). Last evaluated 2023-10-03.

Conditions:
Hereditary sensory and autonomic neuropathy type 6. Also called: Neuropathy, hereditary sensory and autonomic, type VI; HSAN VI. Identifiers: Orphanet 314381, MedGen C3539003, MONDO:0013839, OMIM 614653.
Epidermolysis bullosa simplex 3, localized or generalized intermediate, with BP230 deficiency (EBS3). Also called: Epidermolysis bullosa simplex, autosomal recessive 2; Epidermolysis bullosa simplex due to BP230 deficiency. Identifiers: Orphanet 412181, MedGen C3809470, MONDO:0014180, OMIM 615425.
Inborn genetic diseases. Identifiers: MedGen C0950123, MeSH D030342.

Allele frequency attached by ClinVar (database versions not stated): gnomAD exomes 0.00001; ExAC 0.00002; gnomAD 0.00002 and 0.00003; TOPMed 0.00003; ESP Exome Variant Server 0.00008.
gnomAD v4.1: 24 of 1,613,796 alleles (0.0015%); highest among the groups gnomAD compares: Non-Finnish European, 0.0018%; no homozygotes.

Submissions (2):

Labcorp Genetics (formerly Invitae), Labcorp
Classification: Uncertain significance for Epidermolysis bullosa simplex 3, localized or generalized intermediate, with BP230 deficiency; Hereditary sensory and autonomic neuropathy type 6. Last evaluated: 2023-10-03. Review status: criteria provided, single submitter. Criteria: Invitae Variant Classification Sherloc (09022015). Collection method: clinical testing. Allele origin: germline.
Comment: The DST gene has multiple clinically relevant transcripts. This variant occurs in alternate transcript NM_015548.4, and corresponds to NM_001723.5:c.*143357A>G in the primary transcript. This sequence change replaces asparagine, which is neutral and polar, with aspartic acid, which is acidic and polar, at codon 4730 of the DST protein (p.Asn4730Asp). This variant is present in population databases (rs371310558, gnomAD 0.002%). This variant has not been reported in the literature in individuals affected with DST-related conditions. Experimental studies and prediction algorithms are not available or were not evaluated, and the functional significance of this variant is currently unknown. In summary, the available evidence is currently insufficient to determine the role of this variant in disease. Therefore, it has been classified as a Variant of Uncertain Significance.

Ambry Genetics
Classification: Uncertain significance for Inborn genetic diseases. Last evaluated: 2020-02-25. Review status: criteria provided, single submitter. Criteria: Ambry Variant Classification Scheme 2023. Collection method: clinical testing. Allele origin: germline.
Comment: The p.N5234D variant (also known as c.15700A>G), located in coding exon 88 of the DST gene, results from an A to G substitution at nucleotide position 15700. The asparagine at codon 5234 is replaced by aspartic acid, an amino acid with highly similar properties. This amino acid position is highly conserved in available vertebrate species. In addition, the in silico prediction for this alteration is inconclusive. Since supporting evidence is limited at this time, the clinical significance of this alteration remains unclear.

NM_001374736.1(DST):c.22057A>G (p.Asn7353Asp)

Gene: DST (dystonin; minus strand). Cytogenetic location: 6p12.1.
Variant type: single nucleotide variant.
Coding change: c.22057A>G on transcript NM_001374736.1 (MANE Select); coding-DNA position 22057, A replaced by G.
Protein change: p.Asn7353Asp; replaces asparagine 7353 with aspartic acid.
Molecular consequence: missense variant.
Genome position (GRCh38, 1-based): chr6:56,472,160, T>C on the plus strand (A>G on the coding strand, the complement: DST is on the minus strand). VCF-style: chr6-56472160-T-C. GRCh37 (hg19) VCF-style: chr6-56336958-T-C.
Other names: c.15700A>G, p.Asn5234Asp (NM_001144769.5); c.15286A>G, p.Asn5096Asp (NM_001144770.2); c.22057A>G, p.Asn7353Asp (NM_001374722.1); c.21097A>G, p.Asn7033Asp (NM_001374729.1); c.14839A>G, p.Asn4947Asp (NM_001374730.1); c.22084A>G, p.Asn7362Asp (NM_001374734.1); c.14188A>G, p.Asn4730Asp (NM_015548.5); c.15166A>G, p.Asn5056Asp (NM_183380.4); short protein forms N4947D, N5056D, N7033D, N7362D, N5234D, N4730D, N5096D, N7353D.
Identifiers: ClinVar variation 967558 (VCV000967558.10), dbSNP rs371310558, ClinGen allele CA3866339.